The following is an entry in ClinVar:

ClinVar aggregate classification (germline): Pathogenic/Likely pathogenic. Review status: criteria provided, multiple submitters, no conflicts (2 of 4 stars). 4 submissions from 4 submitters: Pathogenic (2); Likely pathogenic (2). Last evaluated 2025-03-10.

Conditions:
Familial cancer of breast. Also called: BREAST CANCER, FAMILIAL; Hereditary breast cancer; hereditary breast carcinoma. Identifiers: Orphanet 227535, MedGen C0346153, MONDO:0016419, OMIM 114480. Disease mechanism: loss of function.
Ataxia-telangiectasia syndrome (AT). Also called: Ataxia-telangiectasia, complementation group D; ATAXIA-TELANGIECTASIA, COMPLEMENTATION GROUP A; ATAXIA-TELANGIECTASIA, FRESNO VARIANT; Ataxia-telangiectasia; LOUIS-BAR SYNDROME; AT, COMPLEMENTATION GROUP C. Identifiers: Orphanet 100, MedGen C0004135, MONDO:0008840, OMIM 208900.

Submissions (4):

Department of Human Genetics, Hannover Medical School
Classification: Pathogenic for Familial cancer of breast. Last evaluated: 2025-03-10. Review status: criteria provided, single submitter. Criteria: ACMG Guidelines, 2015. Collection method: clinical testing. Allele origin: germline. Affected: yes.
Comment: PVS1, PM2_Supporting, PM5_Supporting

Labcorp Genetics (formerly Invitae), Labcorp
Classification: Pathogenic for Ataxia-telangiectasia syndrome. Last evaluated: 2023-01-02. Review status: criteria provided, single submitter. Criteria: Invitae Variant Classification Sherloc (09022015). Collection method: clinical testing. Allele origin: germline.
Comment: For these reasons, this variant has been classified as Pathogenic. ClinVar contains an entry for this variant (Variation ID: 546062). This variant has not been reported in the literature in individuals affected with ATM-related conditions. This variant is not present in population databases (gnomAD no frequency). This sequence change creates a premature translational stop signal (p.Phe858*) in the ATM gene. It is expected to result in an absent or disrupted protein product. Loss-of-function variants in ATM are known to be pathogenic (PMID: 23807571, 25614872).

Genetic Services Laboratory, University of Chicago
Classification: Likely pathogenic. Last evaluated: 2019-08-27. Review status: criteria provided, single submitter. Criteria: ACMG Guidelines, 2015. Collection method: clinical testing. Allele origin: germline. Affected: yes.
Comment: DNA sequence analysis of the ATM gene demonstrated a 2 base pair deletion in exon 17, c.2571_2572del. This deletion results in the creation of a premature stop codon at amino acid position 858, p.Phe858*. This sequence change is predicted to result in an abnormal transcript, which may be degraded, or may lead to the production of a truncated ATM protein with potentially abnormal function. This sequence change has not been previously described in patients with ATM-related disorders; however, truncating sequence changes are commonly reported in association with ATM-related cancer susceptibility and ataxia telangiectasia (PMIDs: 30287823, 22213089, 29506128, 28724667, 23807571,and others). The p.Phe858* change has not been described in the population databases (ExAC and gnomAD). These collective evidences indicate that this sequence change is likely pathogenic; however functional studies have not been performed to prove this conclusively.

GeneDx
Classification: Likely pathogenic. Last evaluated: 2018-05-01. Review status: criteria provided, single submitter. Criteria: GeneDx Variant Classification (06012015). Collection method: clinical testing. Allele origin: germline. Affected: yes.
Comment: This deletion of two nucleotides is denoted ATM c.2571_2572delAT at the cDNA level and p.Phe858Ter (F858X) at the protein level. The normal sequence, with the bases that are deleted in brackets, is ATCT[delAT]TTAA. The deletion creates a nonsense variant, which changes a Phenylalanine to a premature stop codon. Although this variant has not been previously reported to our knowledge, it is predicted to cause loss of normal protein function through either protein truncation or nonsense-mediated mRNA decay. We consider ATM c.2571_2572delAT to be likely pathogenic.

Literature cited by the submitters: PubMed 23807571 (cited by Labcorp Genetics (formerly Invitae), Labcorp); PubMed 25614872 (cited by Labcorp Genetics (formerly Invitae), Labcorp).

NM_000051.4(ATM):c.2571_2572del (p.Leu857_Phe858insTer)

Gene: ATM (ATM serine/threonine kinase; plus strand). Cytogenetic location: 11q22.3.
Variant type: Deletion.
Coding change: c.2571_2572del on transcript NM_000051.4 (MANE Select); coding-DNA positions 2571 to 2572, 2 bases deleted (AT; older notation c.2571_2572delAT).
Protein change: p.Leu857_Phe858insTer.
Molecular consequence: frameshift variant.
Genome position (GRCh38, 1-based): chr11:108,267,275-108,267,276, AT deleted; deleting any 2 consecutive bases within chr11:108,267,274-108,267,276 gives the same sequence; the c. name uses the placement nearest the transcript's 3' end. VCF-style (leftmost placement, unchanged base first): chr11-108267273-CTA-C. GRCh37 (hg19) VCF-style: chr11-108138000-CTA-C.
Other names: c.2571_2572delAT (NM_000051.3); c.2571_2572del, p.Leu857_Phe858insTer (NM_001351834.2).
Identifiers: ClinVar variation 546062 (VCV000546062.10), dbSNP rs1555082257, ClinGen allele CA658823319.